The following is an entry in ClinVar:

NM_020975.6(RET):c.1521A>C (p.Ser507=)

Gene: RET (ret proto-oncogene; plus strand). Cytogenetic location: 10q11.21.
Variant type: single nucleotide variant.
Coding change: c.1521A>C on transcript NM_020975.6 (MANE Select); coding-DNA position 1521, A replaced by C.
Protein change: p.Ser507=; no amino-acid change (serine 507 retained).
Molecular consequence: synonymous variant. On other transcripts: intron variant (15).
Genome position (GRCh38, 1-based): chr10:43,111,464, A>C. VCF-style: chr10-43111464-A-C. GRCh37 (hg19) VCF-style: chr10-43606912-A-C.
Other names: c.1521A>C, p.Ser507= (NM_000323.2, NM_001406743.1, NM_001406744.1 and 6 more transcripts); c.759A>C, p.Ser253= (NM_001355216.2); c.1392A>C, p.Ser464= (NM_001406761.1, NM_001406762.1, NM_001406764.1 and 1 more transcripts); c.1233A>C, p.Ser411= (NM_001406766.1, NM_001406767.1, NM_001406770.1); c.1125A>C, p.Ser375= (NM_001406769.1, NM_001406772.1); c.1083A>C, p.Ser361= (NM_001406771.1, NM_001406773.1); c.996A>C, p.Ser332= (NM_001406774.1); c.795A>C, p.Ser265= (NM_001406775.1, NM_001406776.1, NM_001406777.1 and 1 more transcripts); and 5 more.
Identifiers: ClinVar variation 3073388 (VCV003073388.1), dbSNP rs876660561, ClinGen allele CA469479465.
Genomic context (GRCh38, chr10:43,111,464, plus strand): 5'-CACCGACCAGCAGACCTCTAGGCAGGCCCAGGCCCAGCTGCTTGTAACAGTGGAGGGGTC[A>C]TGTGAGTGCCTGCTCCAGGGAGGGAGGGTCGGGGTCCTGGGGGCTTCTGGAGCCTGGGCC-3'
Protein context (NP_066124.1, residues 497-517): QAQLLVTVEG[Ser507=]YVAEEAGCPL

ClinVar aggregate classification (germline): Likely benign (1 of 4 stars; one submission).

Conditions:
Multiple endocrine neoplasia, type 2 (MEN2). Identifiers: Orphanet 653, MedGen C4048306, MONDO:0019003. Disease mechanism: gain of function.

Submission:

All of Us Research Program, National Institutes of Health
Classification: Likely benign for Multiple endocrine neoplasia, type 2. Last evaluated: 2023-09-17. Review status: criteria provided, single submitter. Criteria: ACMG Guidelines, 2015. Collection method: clinical testing. Allele origin: germline. Inheritance: Autosomal dominant inheritance. Observed: 1 variant allele, 1 heterozygote.
Comment: This study involves interpretation of variants in research participants for the purpose of population health screening. Participant phenotype was not available at the time of variant classification. Additional details can be found in publication PMID: 35346344, PMCID: PMC8962531